The following is an entry in ClinVar:

ClinVar aggregate classification (germline): Uncertain significance. Review status: criteria provided, single submitter (1 of 4 stars). 2 submissions from 2 submitters: Uncertain significance (1). 1 of the submissions does not count toward it. Last evaluated 2022-07-06.

Conditions:
Familial hemophagocytic lymphohistiocytosis 2 (FHL2). Also called: PRF1-Related Familial Hemophagocytic Lymphohistiocytosis (PRF1-fHLH). Identifiers: Orphanet 540, MedGen C1863727, MONDO:0011337, OMIM 603553.

Allele frequency attached by ClinVar (database versions not stated): TOPMed 0.00001; ExAC 0.00001; gnomAD exomes below 0.00001.

Submissions (2):

Women's Health and Genetics/Laboratory Corporation of America, LabCorp
Classification: Uncertain significance. Last evaluated: 2022-07-06. Review status: criteria provided, single submitter. Criteria: LabCorp Variant Classification Summary - May 2015. Collection method: clinical testing. Allele origin: germline.
Comment: Variant summary: PRF1 c.1034C>T (p.Pro345Leu) results in a non-conservative amino acid change located in the Membrane attack complex component/perforin (MACPF) domain (IPR020864) of the encoded protein sequence. Five of five in-silico tools predict a damaging effect of the variant on protein function. The variant allele was found at a frequency of 4e-06 in 250518 control chromosomes. c.1034C>T has been reported in the literature as a homozygous genotype in at-least one individual affected with Familial Hemophagocytic Lymphohistiocytosis who has been subsequently cited by others (example, Stepp_1999 cited in Feldmann_2002, Lucchini_2018, Ishii_2005, An_2013, Benezech_2017). These data indicate that the variant may be associated with disease. To our knowledge, no experimental evidence demonstrating an impact on protein function has been reported. No clinical diagnostic laboratories have submitted clinical-significance assessments for this variant to ClinVar after 2014. Based on the evidence outlined above, the variant was classified as VUS-possibly pathogenic.

OMIM
Classification: Pathogenic for HEMOPHAGOCYTIC LYMPHOHISTIOCYTOSIS, FAMILIAL, 2. Last evaluated: 1999-12-03. Review status: no assertion criteria provided. Collection method: literature only. Allele origin: germline. Not counted in ClinVar's aggregate classification.

Literature cited by the submitters: PubMed 23592409 (cited by Women's Health and Genetics/Laboratory Corporation of America, LabCorp); PubMed 10583959 (cited by Women's Health and Genetics/Laboratory Corporation of America, LabCorp and OMIM); PubMed 29152263 (cited by Women's Health and Genetics/Laboratory Corporation of America, LabCorp); PubMed 30104219 (cited by Women's Health and Genetics/Laboratory Corporation of America, LabCorp); PubMed 12060139 (cited by Women's Health and Genetics/Laboratory Corporation of America, LabCorp); PubMed 15718147 (cited by Women's Health and Genetics/Laboratory Corporation of America, LabCorp).

NM_001083116.3(PRF1):c.1034C>T (p.Pro345Leu)

Gene: PRF1 (perforin 1; minus strand). Cytogenetic location: 10q22.1.
Variant type: single nucleotide variant.
Coding change: c.1034C>T on transcript NM_001083116.3 (MANE Select); coding-DNA position 1034, C replaced by T.
Protein change: p.Pro345Leu; replaces proline 345 with leucine.
Molecular consequence: missense variant.
Genome position (GRCh38, 1-based): chr10:70,598,687, G>A on the plus strand (C>T on the coding strand, the complement: PRF1 is on the minus strand). VCF-style: chr10-70598687-G-A. GRCh37 (hg19) VCF-style: chr10-72358443-G-A.
Other names: c.1034C>T, p.Pro345Leu (NM_005041.6); short protein forms P345L.
Identifiers: ClinVar variation 13713 (VCV000013713.2), dbSNP rs28933374, ClinGen allele CA256945.
Genomic context (GRCh38, chr10:70,598,687, plus strand): 5'-CTCAGGGCCCTCCTCAGTGCCTCCCGCCGCGGGTCCTGGCTGTCCAGCAGCACGTGCAGG[G>A]GTTCCAGGGTGTAGTCCACCAGGCCAGGGCTGCCGGGCAGCGAGTTTACCCAGGCTGAGT-3'
Protein context (NP_001076585.1, residues 335-355): SPGLVDYTLE[Pro345Leu]LHVLLDSQDP